The following is an entry in ClinVar:

NM_001278716.2(FBXL4):c.818A>G (p.Glu273Gly)

Gene: FBXL4 (F-box and leucine rich repeat protein 4; minus strand). Cytogenetic location: 6q16.2.
Variant type: single nucleotide variant.
Coding change: c.818A>G on transcript NM_001278716.2 (MANE Select); coding-DNA position 818, A replaced by G.
Protein change: p.Glu273Gly; replaces glutamic acid 273 with glycine.
Molecular consequence: missense variant.
Genome position (GRCh38, 1-based): chr6:98,917,414, T>C on the plus strand (A>G on the coding strand, the complement: FBXL4 is on the minus strand). VCF-style: chr6-98917414-T-C. GRCh37 (hg19) VCF-style: chr6-99365290-T-C.
Other names: c.818A>G, p.Glu273Gly (NM_012160.5); short protein forms E273G.
Identifiers: ClinVar variation 437639 (VCV000437639.1), dbSNP rs759388601, ClinGen allele CA3933612.

ClinVar aggregate classification (germline): Uncertain significance (1 of 4 stars; one submission).

Conditions:
Mitochondrial DNA depletion syndrome 13. Also called: FBXL4-Related Encephalomyopathic Mitochondrial DNA Depletion Syndrome; Mitochondrial DNA depletion syndrome 13 (encephalomyopathic type). Identifiers: Orphanet 369897, MedGen C3809592, MONDO:0014198, OMIM 615471.

Allele frequency attached by ClinVar (database versions not stated): gnomAD exomes below 0.00001; ExAC 0.00001.
gnomAD v4.1: 1 of 1,612,504 alleles (0.000062%); highest among the groups gnomAD compares: Admixed American, 0.0017%; no homozygotes.

Submission:

Wong Mito Lab, Molecular and Human Genetics, Baylor College of Medicine
Classification: Uncertain significance for Mitochondrial DNA depletion syndrome 13. Last evaluated: 2017-08-10. Review status: criteria provided, single submitter. Criteria: ACMG Guidelines, 2015. Collection method: reference population. Allele origin: germline.
Comment: The NM_012160.4:c.818A>G (NP_036292.2:p.Glu273Gly) [GRCH38: NC_000006.12:g.98917414T>C] variant in FBXL4 gene is interpretated to be a Uncertain Significance - Conflicting Evidence based on ACMG guidelines (PMID: 25741868). This variant meets one or more of the following evidence codes reported in the ACMG-guideline. PM2:This variant is absent in key population databases. BP4:Computational evidence/predictors indicate no impact on the FBXL4 structure, function, or protein-protein interaction. Based on this evidence code ClinGen Pathogenicity Calculator (PMID:28081714) suggested that the variant is Uncertain Significance - Conflicting Evidence.